The following is an entry in ClinVar:

NM_052947.4(ALPK2):c.2677A>T (p.Thr893Ser)

Gene: ALPK2 (alpha kinase 2; minus strand). Cytogenetic location: 18q21.31.
Variant type: single nucleotide variant.
Coding change: c.2677A>T on transcript NM_052947.4 (MANE Select); coding-DNA position 2677, A replaced by T.
Protein change: p.Thr893Ser; replaces threonine 893 with serine.
Molecular consequence: missense variant.
Genome position (GRCh38, 1-based): chr18:58,537,510, T>A on the plus strand (A>T on the coding strand, the complement: ALPK2 is on the minus strand). VCF-style: chr18-58537510-T-A. GRCh37 (hg19) VCF-style: chr18-56204742-T-A.
Other names: short protein forms T893S.
Identifiers: ClinVar variation 2449220 (VCV002449220.2), dbSNP rs2518877380, ClinGen allele CA402570016.

ClinVar aggregate classification (germline): Uncertain significance (1 of 4 stars; one submission).

Submission:

Ambry Genetics
Classification: Uncertain significance. Last evaluated: 2022-12-04. Review status: criteria provided, single submitter. Criteria: Ambry Variant Classification Scheme 2023. Collection method: clinical testing. Allele origin: germline.
Comment: The p.T893S variant (also known as c.2677A>T), located in coding exon 4 of the ALPK2 gene, results from an A to T substitution at nucleotide position 2677. The threonine at codon 893 is replaced by serine, an amino acid with similar properties. This amino acid position is conserved. In addition, this alteration is predicted to be tolerated by in silico analysis. Since supporting evidence is limited at this time, the clinical significance of this alteration remains unclear.